The following is an entry in ClinVar:

NM_002878.4(RAD51D):c.314T>G (p.Ile105Ser)

Genes: RAD51D (RAD51 paralog D; minus strand), RAD51L3-RFFL (RAD51L3-RFFL readthrough; minus strand). Cytogenetic location: 17q12.
Variant type: single nucleotide variant.
Coding change: c.314T>G on transcript NM_002878.4 (MANE Select); coding-DNA position 314, T replaced by G.
Protein change: p.Ile105Ser; replaces isoleucine 105 with serine.
Molecular consequence: missense variant. On other transcripts: non-coding transcript variant (2), intron variant (1).
Genome position (GRCh38, 1-based): chr17:35,107,397, A>C on the plus strand (T>G on the coding strand, the complement: RAD51D is on the minus strand). VCF-style: chr17-35107397-A-C. GRCh37 (hg19) VCF-style: chr17-33434416-A-C.
Other names: c.374T>G, p.Ile125Ser (NM_001142571.2); c.145-916T>G (NM_133629.3); short protein forms I125S, I105S.
Identifiers: ClinVar variation 2840191 (VCV002840191.4), dbSNP rs368838910, ClinGen allele CA399089937.

ClinVar aggregate classification (germline): Uncertain significance. Review status: criteria provided, multiple submitters, no conflicts (2 of 4 stars). 2 submissions from 2 submitters: Uncertain significance (2). Last evaluated 2026-07-06.

Conditions:
Breast-ovarian cancer, familial, susceptibility to, 4. Identifiers: Orphanet 145, MedGen C3280345, MONDO:0013669, OMIM 614291.
Hereditary cancer-predisposing syndrome. Also called: Hereditary Cancer Syndrome; Hereditary neoplastic syndrome; Neoplastic Syndromes, Hereditary; Tumor predisposition. Identifiers: Orphanet 140162, MedGen C0027672, MeSH D009386, MONDO:0015356.

Submissions (2):

Ambry Genetics
Classification: Uncertain significance for Hereditary cancer-predisposing syndrome. Last evaluated: 2026-07-06. Review status: criteria provided, single submitter. Criteria: Ambry Variant Classification Scheme 2023. Collection method: clinical testing. Allele origin: germline.
Comment: The p.I105S variant (also known as c.314T>G), located in coding exon 4 of the RAD51D gene, results from a T to G substitution at nucleotide position 314. The isoleucine at codon 105 is replaced by serine, an amino acid with dissimilar properties. This amino acid position is conserved. In addition, this alteration is predicted to be deleterious by in silico analysis. Based on the available evidence, the clinical significance of this variant remains unclear.

Labcorp Genetics (formerly Invitae), Labcorp
Classification: Uncertain significance for Breast-ovarian cancer, familial, susceptibility to, 4. Last evaluated: 2024-03-26. Review status: criteria provided, single submitter. Criteria: Invitae Variant Classification Sherloc (09022015). Collection method: clinical testing. Allele origin: germline.
Comment: This sequence change replaces isoleucine, which is neutral and non-polar, with serine, which is neutral and polar, at codon 105 of the RAD51D protein (p.Ile105Ser). This variant is not present in population databases (gnomAD no frequency). This variant has not been reported in the literature in individuals affected with RAD51D-related conditions. Advanced modeling of protein sequence and biophysical properties (such as structural, functional, and spatial information, amino acid conservation, physicochemical variation, residue mobility, and thermodynamic stability) has been performed at Invitae for this missense variant, however the output from this modeling did not meet the statistical confidence thresholds required to predict the impact of this variant on RAD51D protein function. In summary, the available evidence is currently insufficient to determine the role of this variant in disease. Therefore, it has been classified as a Variant of Uncertain Significance.